The following is an entry in ClinVar:

ClinVar aggregate classification (germline): Likely benign. Review status: criteria provided, multiple submitters, no conflicts (2 of 4 stars). 5 submissions from 5 submitters: Likely benign (5). Last evaluated 2026-05-18.

Conditions:
ADGRV1-related disorder. Also called: ADGRV1-related condition; ADGRV1-related disorders.

Allele frequency attached by ClinVar (database versions not stated): ExAC 0.00001; gnomAD 0.00001 and 0.00002; gnomAD exomes 0.00001; TOPMed 0.00002.
gnomAD v4.1: 27 of 1,613,012 alleles (0.0017%); highest among the groups gnomAD compares: South Asian, 0.0033%; no homozygotes.

Submissions (5):

PreventionGenetics, part of Exact Sciences
Classification: Likely benign for ADGRV1-related condition. Last evaluated: 2026-05-18. Review status: criteria provided, single submitter. Criteria: ACMG Guidelines, 2015. Collection method: clinical testing. Allele origin: germline.
Comment: This variant is classified as likely benign based on ACMG/AMP sequence variant interpretation guidelines (Richards et al. 2015 PMID: 25741868, with internal and published modifications).

Labcorp Genetics (formerly Invitae), Labcorp
Classification: Likely benign. Last evaluated: 2026-01-11. Review status: criteria provided, single submitter. Criteria: Invitae Variant Classification Sherloc (09022015). Collection method: clinical testing. Allele origin: germline.

Women's Health and Genetics/Laboratory Corporation of America, LabCorp
Classification: Likely benign. Last evaluated: 2024-11-06. Review status: criteria provided, single submitter. Criteria: LabCorp Variant Classification Summary - May 2015. Collection method: clinical testing. Allele origin: germline.

Blueprint Genetics
Classification: Likely benign. Last evaluated: 2024-04-18. Review status: criteria provided, single submitter. Criteria: ACMG Guidelines, 2015. Collection method: clinical testing. Allele origin: germline.

Laboratory for Molecular Medicine, Mass General Brigham Personalized Medicine
Classification: Likely benign. Last evaluated: 2017-07-25. Review status: criteria provided, single submitter. Criteria: LMM Criteria. Collection method: clinical testing. Allele origin: germline. Observed: 1 variant allele.
Comment: p.Ala2184Ala in exon 30 of GPR98: This variant is not expected to have clinical significance because it does not alter an amino acid residue, and it is not loca ted within the splice consensus sequence. It has been identified in 3/244960 of the total chromosomes by the Genome Aggregation Database (gnomAD .; dbSNP rs763086961).

NM_032119.4(ADGRV1):c.6552C>T (p.Ala2184=)

Gene: ADGRV1 (adhesion G protein-coupled receptor V1; plus strand). Cytogenetic location: 5q14.3.
Variant type: single nucleotide variant.
Coding change: c.6552C>T on transcript NM_032119.4 (MANE Select); coding-DNA position 6552, C replaced by T.
Protein change: p.Ala2184=; no amino-acid change (alanine 2184 retained).
Molecular consequence: synonymous variant. On other transcripts: non-coding transcript variant (1).
Genome position (GRCh38, 1-based): chr5:90,689,922, C>T. VCF-style: chr5-90689922-C-T. GRCh37 (hg19) VCF-style: chr5-89985739-C-T.
Identifiers: ClinVar variation 505976 (VCV000505976.13), dbSNP rs763086961, ClinGen allele CA3339825.